The following is an entry in ClinVar:

ClinVar aggregate classification (germline): Likely pathogenic (1 of 4 stars; one submission).

Conditions:
Tatton-Brown-Rahman overgrowth syndrome. Also called: Tatton-Brown-Rahman syndrome; Tall stature-intellectual disability-facial dysmorphism syndrome. Identifiers: Orphanet 404443, MedGen C4014545, MONDO:0014382, OMIM 615879.

Submission:

MVZ Medizinische Genetik Mainz
Classification: Likely pathogenic for Tatton-Brown-Rahman overgrowth syndrome. Last evaluated: 2024-04-26. Review status: criteria provided, single submitter. Criteria: UK Practice Guidelines For Variant Classification V4 01 2020. Collection method: clinical testing. Allele origin: germline. Inheritance: Autosomal dominant inheritance. Affected: yes. Observed: 1 variant allele.
Comment: ACMG Criteria: PVS1, PM2_sup

NM_022552.5(DNMT3A):c.2153del (p.Pro718fs)

Gene: DNMT3A (DNA methyltransferase 3 alpha; minus strand). Cytogenetic location: 2p23.3.
Variant type: Deletion.
Coding change: c.2153del on transcript NM_022552.5 (MANE Select); coding-DNA position 2153, one base deleted (C; older notation c.2153delC).
Protein change: p.Pro718fs; shifts the reading frame from proline 718.
Molecular consequence: frameshift variant. On other transcripts: non-coding transcript variant (1).
Genome position (GRCh38, 1-based): chr2:25,240,660, G deleted on the plus strand (C on the coding strand, the reverse complement: DNMT3A is on the minus strand); the first of 3 consecutive G bases (chr2:25,240,660-25,240,662); deleting any one gives the same sequence. VCF-style (leftmost placement, unchanged base first): chr2-25240659-AG-A. GRCh37 (hg19) VCF-style: chr2-25463528-AG-A.
Other names: c.1697del, p.Pro566fs (NM_001320893.1); c.1484del, p.Pro495fs (NM_001375819.1); c.1586del, p.Pro529fs (NM_153759.3); c.2153del, p.Pro718fs (NM_175629.2); short protein forms P495fs, P529fs, P566fs, P718fs.
Identifiers: ClinVar variation 3235953 (VCV003235953.1), dbSNP rs2465399013, ClinGen allele CA2576694000.